The following is an entry in ClinVar:

NM_000135.4(FANCA):c.2557C>T (p.Arg853Ter)

Gene: FANCA (FA complementation group A; minus strand). Cytogenetic location: 16q24.3.
Variant type: single nucleotide variant.
Coding change: c.2557C>T on transcript NM_000135.4 (MANE Select); coding-DNA position 2557, C replaced by T.
Protein change: p.Arg853Ter; replaces arginine 853 with a stop codon.
Molecular consequence: nonsense.
Genome position (GRCh38, 1-based): chr16:89,767,185, G>A on the plus strand (C>T on the coding strand, the complement: FANCA is on the minus strand). VCF-style: chr16-89767185-G-A. GRCh37 (hg19) VCF-style: chr16-89833593-G-A.
Other names: c.2557C>T (NM_000135.3, LRG_495t1); c.2557C>T, p.Arg853Ter (NM_001286167.3); short protein forms R853*.
Identifiers: ClinVar variation 192384 (VCV000192384.22), dbSNP rs752160950, ClinGen allele CA274891.

ClinVar aggregate classification (germline): Pathogenic. Review status: criteria provided, multiple submitters, no conflicts (2 of 4 stars). 9 submissions from 9 submitters: Pathogenic (7). 2 of the submissions do not count toward it. Last evaluated 2025-10-23.

Conditions:
FANCA-related disorders.
Fanconi anemia (FA). Also called: Fanconi's anemia. Identifiers: Orphanet 84, MedGen C0015625, MeSH D005199, MONDO:0019391.
Fanconi anemia complementation group A (FANCA). Also called: Fanconi anemia, group A; FANCA-Related Fanconi Anemia. Identifiers: Orphanet 84, MedGen C3469521, MONDO:0009215, OMIM 227650.

Allele frequency attached by ClinVar (database versions not stated): gnomAD 0.00001; TOPMed 0.00002; ExAC 0.00001.

Submissions (9):

Labcorp Genetics (formerly Invitae), Labcorp
Classification: Pathogenic for Fanconi anemia. Last evaluated: 2025-10-23. Review status: criteria provided, single submitter. Criteria: Invitae Variant Classification Sherloc (09022015). Collection method: clinical testing. Allele origin: germline.
Comment: This sequence change creates a premature translational stop signal (p.Arg853*) in the FANCA gene. It is expected to result in an absent or disrupted protein product. Loss-of-function variants in FANCA are known to be pathogenic (PMID: 19367192). This variant is present in population databases (rs752160950, gnomAD 0.01%). This premature translational stop signal has been observed in individual(s) with Fanconi anemia (PMID: 19423727). In at least one individual the data is consistent with being in trans (on the opposite chromosome) from a pathogenic variant. ClinVar contains an entry for this variant (Variation ID: 192384). For these reasons, this variant has been classified as Pathogenic.

Dasa
Classification: Pathogenic. Last evaluated: 2025-06-09. Review status: criteria provided, single submitter. Criteria: DASA Assertion Criteria. Collection method: clinical testing. Allele origin: germline.
Comment: NM_000135.4(FANCA):c.2557C>T (p.Arg853*) introduces a premature termination codon predicted to result in loss of normal protein function. Loss-of-function is an established mechanism of disease for this gene. This variant has been observed in affected individuals with related phenotype in a genotype context consistent with recessive disease (PMID: 19423727). Functional evidence supports a deleterious effect on the gene or gene product (PMID: 19423727). This variant has been reported in individuals with related phenotype (PMID: 19423727). The variant is present at low frequency in population datasets. Based on the available data, this variant is classified as pathogenic.

Natera, Inc.
Classification: Pathogenic for Fanconi anemia. Last evaluated: 2024-04-27. Review status: criteria provided, single submitter. Criteria: Natera Variant Classification Schema (03/2026). Collection method: clinical testing. Allele origin: germline.
Comment: The c.2557C>T variant in FANCA is a nonsense variant predicted to introduce a stop codon at amino acid 853. This variant is expected to result in nonsense mediated decay, truncation, or a dysfunctional protein product. This variant is rare in the general population with a frequency below the threshold expected for the associated phenotype(s). This variant has been observed in one or more individuals affected with the associated recessive disease, as either homozygous or compound heterozygous with a second variant (PMID: 29098742). Given the available evidence, this variant is classified as Pathogenic.

Baylor Genetics
Classification: Pathogenic for Fanconi anemia complementation group A. Last evaluated: 2024-03-10. Review status: criteria provided, single submitter. Criteria: ACMG Guidelines, 2015. Collection method: clinical testing. Allele origin: unknown.

Blueprint Genetics
Classification: Pathogenic for FANCA-related disorders. Last evaluated: 2022-09-09. Review status: criteria provided, single submitter. Criteria: ACMG Guidelines, 2015. Collection method: clinical testing. Allele origin: germline. Affected: yes. Observed: 3 variant alleles.

Revvity Omics, Revvity
Classification: Pathogenic for Fanconi anemia complementation group A. Last evaluated: 2019-01-11. Review status: criteria provided, single submitter. Criteria: ACMG Guidelines, 2015. Collection method: clinical testing. Allele origin: germline.

Fulgent Genetics
Classification: Pathogenic for Fanconi anemia complementation group A. Last evaluated: 2018-10-31. Review status: criteria provided, single submitter. Criteria: ACMG Guidelines, 2015. Collection method: clinical testing. Allele origin: unknown.

Counsyl
Classification: Likely pathogenic for Fanconi anemia complementation group A. Last evaluated: 2017-11-22. Review status: no assertion criteria provided. Collection method: clinical testing. Allele origin: unknown. Not counted in ClinVar's aggregate classification.

OMIM
Classification: Pathogenic for FANCONI ANEMIA, COMPLEMENTATION GROUP A. Last evaluated: 2009-07-02. Review status: no assertion criteria provided. Collection method: literature only. Allele origin: germline. Not counted in ClinVar's aggregate classification.

Literature cited by the submitters: PubMed 19367192 (cited by Labcorp Genetics (formerly Invitae), Labcorp); PubMed 19423727 (cited by 4 submitters); PubMed 29098742 (cited by Natera, Inc.); PubMed 25583207 (cited by Counsyl); PubMed 16084127 (cited by Counsyl); PubMed 25525159 (cited by Counsyl); PubMed 16116422 (cited by OMIM).